The following is an entry in ClinVar:

ClinVar aggregate classification (germline): Uncertain significance (1 of 4 stars; one submission).

Conditions:
Inborn genetic diseases. Identifiers: MedGen C0950123, MeSH D030342.

Submission:

Ambry Genetics
Classification: Uncertain significance for Inborn genetic diseases. Last evaluated: 2026-08-10. Review status: criteria provided, single submitter. Criteria: Ambry Variant Classification Scheme 2023. Collection method: clinical testing. Allele origin: germline.
Comment: The p.E140Q variant (also known as c.418G>C), located in coding exon 4 of the FANCA gene, results from a G to C substitution at nucleotide position 418. The glutamic acid at codon 140 is replaced by glutamine, an amino acid with highly similar properties. This amino acid position is conserved. In addition, this alteration is predicted to be tolerated by in silico analysis. Based on the available evidence, the clinical significance of this variant remains unclear.

NM_000135.4(FANCA):c.418G>C (p.Glu140Gln)

Gene: FANCA (FA complementation group A; minus strand). Cytogenetic location: 16q24.3.
Variant type: single nucleotide variant.
Coding change: c.418G>C on transcript NM_000135.4 (MANE Select); coding-DNA position 418, G replaced by C.
Protein change: p.Glu140Gln; replaces glutamic acid 140 with glutamine.
Molecular consequence: missense variant.
Genome position (GRCh38, 1-based): chr16:89,810,937, C>G on the plus strand (G>C on the coding strand, the complement: FANCA is on the minus strand). VCF-style: chr16-89810937-C-G. GRCh37 (hg19) VCF-style: chr16-89877345-C-G.
Other names: c.418G>C, p.Glu140Gln (NM_001018112.3, NM_001286167.3, NM_001351830.2); short protein forms E140Q.
Identifiers: ClinVar variation 5036406 (VCV005036406.1).
Genomic context (GRCh38, chr16:89,810,937, plus strand): 5'-CCAGCTTAAAAGTAACAACGGGCAGGTTTCCTCATCTTTGCTGGTGTCTTACTCTCTGCT[C>G]CACAGTCAGCAGCACAGGGTGACTGGTCTCCGCTGGAGCCGTGCAGATCTGTCCCACGCT-3'
Protein context (NP_000126.2, residues 130-150): ETSHPVLLTV[Glu140Gln]QRKKLSSLLE